The following is an entry in ClinVar:

ClinVar aggregate classification (germline): Benign. Review status: criteria provided, multiple submitters, no conflicts (2 of 4 stars). 2 submissions from 2 submitters: Benign (2). Last evaluated 2024-06-04.

Allele frequency attached by ClinVar (database versions not stated): gnomAD exomes 0.00027; ExAC 0.00175; gnomAD 0.00314; TOPMed 0.00351; 1000 Genomes Project 30x 0.00390; 1000 Genomes Project 0.00399; ESP Exome Variant Server 0.00400.
gnomAD v4.1: 880 of 1,599,752 alleles (0.055%); highest among the groups gnomAD compares: African/African-American, 1.1%; 4 homozygotes.

Submissions (2):

Labcorp Genetics (formerly Invitae), Labcorp
Classification: Benign. Last evaluated: 2024-06-04. Review status: criteria provided, single submitter. Criteria: Invitae Variant Classification Sherloc (09022015). Collection method: clinical testing. Allele origin: germline.

CeGaT Center for Human Genetics Tuebingen
Classification: Benign. Last evaluated: 2023-11-01. Review status: criteria provided, single submitter. Criteria: CeGaT Center For Human Genetics Tuebingen Variant Classification Criteria Version 2. Collection method: clinical testing. Allele origin: germline. Affected: yes. Observed: 1 variant allele.
Comment: ALOXE3: BP4, BP7, BS1, BS2

NM_021628.3(ALOXE3):c.-48C>T

Genes: ALOXE3 (arachidonate epidermal lipoxygenase 3; minus strand), LOC126862485 (CDK7 strongly-dependent group 2 enhancer GRCh37_chr17:8020998-8022197; plus strand). Cytogenetic location: 17p13.1.
Variant type: single nucleotide variant.
Coding change: c.-48C>T on transcript NM_021628.3 (MANE Select); 48 bases upstream of the start codon, C replaced by T.
Molecular consequence: 5 prime UTR variant. On other transcripts: synonymous variant (1).
Genome position (GRCh38, 1-based): chr17:8,118,038, G>A on the plus strand (C>T on the coding strand, the complement: ALOXE3 is on the minus strand). VCF-style: chr17-8118038-G-A. GRCh37 (hg19) VCF-style: chr17-8021356-G-A.
Other names: c.349C>T, p.Leu117= (NM_001165960.1); c.-48C>T (NM_001369446.1).
Identifiers: ClinVar variation 2059573 (VCV002059573.26), dbSNP rs114191523, ClinGen allele CA8368557.